The following is an entry in ClinVar:

ClinVar aggregate classification (germline): Uncertain significance (1 of 4 stars; one submission).

Conditions:
Autosomal dominant Parkinson disease 8. Also called: LRRK2-Related Parkinson Disease; Parkinson disease 8; Parkinson disease 8, susceptibility to. Identifiers: Orphanet 411602, MedGen C1846862, MONDO:0011764, OMIM 607060.

gnomAD v4.1: 1 of 1,614,070 alleles (0.000062%); highest among the groups gnomAD compares: Non-Finnish European, 0.000085%; no homozygotes.

Submission:

Labcorp Genetics (formerly Invitae), Labcorp
Classification: Uncertain significance for Autosomal dominant Parkinson disease 8. Last evaluated: 2022-01-04. Review status: criteria provided, single submitter. Criteria: Invitae Variant Classification Sherloc (09022015). Collection method: clinical testing. Allele origin: germline.
Comment: In summary, the available evidence is currently insufficient to determine the role of this variant in disease. Therefore, it has been classified as a Variant of Uncertain Significance. This variant has not been reported in the literature in individuals affected with LRRK2-related conditions. This variant is not present in population databases (gnomAD no frequency). This sequence change creates a premature translational stop signal (p.Tyr71*) in the LRRK2 gene. It is expected to result in an absent or disrupted protein product. However, the current clinical and genetic evidence is not sufficient to establish whether loss-of-function variants in LRRK2 cause disease.

NM_198578.4(LRRK2):c.213T>A (p.Tyr71Ter)

Gene: LRRK2 (leucine rich repeat kinase 2; plus strand). Cytogenetic location: 12q12.
Variant type: single nucleotide variant.
Coding change: c.213T>A on transcript NM_198578.4 (MANE Select); coding-DNA position 213, T replaced by A.
Protein change: p.Tyr71Ter; replaces tyrosine 71 with a stop codon.
Molecular consequence: nonsense.
Genome position (GRCh38, 1-based): chr12:40,225,616, T>A. VCF-style: chr12-40225616-T-A. GRCh37 (hg19) VCF-style: chr12-40619418-T-A.
Other names: short protein forms Y71*.
Identifiers: ClinVar variation 2073902 (VCV002073902.4), dbSNP rs767872726, ClinGen allele CA384399347.